The following is an entry in ClinVar:

NM_001367624.2(ZNF469):c.3832C>G (p.Pro1278Ala)

Gene: ZNF469 (zinc finger protein 469; plus strand). Cytogenetic location: 16q24.2.
Variant type: single nucleotide variant.
Coding change: c.3832C>G on transcript NM_001367624.2 (MANE Select); coding-DNA position 3832, C replaced by G.
Protein change: p.Pro1278Ala; replaces proline 1278 with alanine.
Molecular consequence: missense variant.
Genome position (GRCh38, 1-based): chr16:88,431,302, C>G. VCF-style: chr16-88431302-C-G. GRCh37 (hg19) VCF-style: chr16-88497710-C-G.
Other names: NM_001127464.1:c.3748C>G; short protein forms P1278A.
Identifiers: ClinVar variation 5032268 (VCV005032268.1).

ClinVar aggregate classification (germline): Uncertain significance (1 of 4 stars; one submission).

Conditions:
Cardiovascular phenotype. Identifiers: MedGen CN230736.

Submission:

Ambry Genetics
Classification: Uncertain significance for Cardiovascular phenotype. Last evaluated: 2026-08-31. Review status: criteria provided, single submitter. Criteria: Ambry Variant Classification Scheme 2023. Collection method: clinical testing. Allele origin: germline.
Comment: The p.P1250A variant (also known as c.3748C>G), located in coding exon 2 of the ZNF469 gene, results from a C to G substitution at nucleotide position 3748. The proline at codon 1250 is replaced by alanine, an amino acid with highly similar properties. This amino acid position is conserved. In addition, this alteration is predicted to be tolerated by in silico analysis. Based on the available evidence, the clinical significance of this variant remains unclear.